The following is an entry in ClinVar:

NM_001367479.1(DNAH14):c.12885C>T (p.His4295=)

Gene: DNAH14 (dynein axonemal heavy chain 14; plus strand). Cytogenetic location: 1q42.12.
Variant type: single nucleotide variant.
Coding change: c.12885C>T on transcript NM_001367479.1 (MANE Select); coding-DNA position 12885, C replaced by T.
Protein change: p.His4295=; no amino-acid change (histidine 4295 retained).
Molecular consequence: synonymous variant.
Genome position (GRCh38, 1-based): chr1:225,381,387, C>T. VCF-style: chr1-225381387-C-T. GRCh37 (hg19) VCF-style: chr1-225569089-C-T.
Identifiers: ClinVar variation 2639956 (VCV002639956.24), dbSNP rs757650433, ClinGen allele CA1416892.

ClinVar aggregate classification (germline): Likely benign (1 of 4 stars; one submission).

Allele frequency attached by ClinVar (database versions not stated): TOPMed 0.00005; ExAC 0.00016; gnomAD exomes 0.00002; gnomAD 0.00003.
gnomAD v4.1: 27 of 1,534,368 alleles (0.0018%); highest among the groups gnomAD compares: African/African-American, 0.0042%; no homozygotes.

Submission:

CeGaT Center for Human Genetics Tuebingen
Classification: Likely benign. Last evaluated: 2022-07-01. Review status: criteria provided, single submitter. Criteria: CeGaT Center For Human Genetics Tuebingen Variant Classification Criteria Version 2. Collection method: clinical testing. Allele origin: germline. Affected: yes. Observed: 1 variant allele.
Comment: DNAH14: BP4, BP7